The following is an entry in ClinVar:

ClinVar aggregate classification (germline): Uncertain significance. Review status: criteria provided, multiple submitters, no conflicts (2 of 4 stars). 2 submissions from 2 submitters: Uncertain significance (2). Last evaluated 2025-10-28.

Conditions:
Inborn genetic diseases. Identifiers: MedGen C0950123, MeSH D030342.

Allele frequency attached by ClinVar (database versions not stated): gnomAD exomes 0.00001 and below 0.00001; TOPMed 0.00001; ExAC 0.00001.
gnomAD v4.1: 12 of 1,613,930 alleles (0.00074%); highest among the groups gnomAD compares: East Asian, 0.0045%; no homozygotes.

Submissions (2):

Ambry Genetics
Classification: Uncertain significance for Inborn genetic diseases. Last evaluated: 2025-10-28. Review status: criteria provided, single submitter. Criteria: Ambry Variant Classification Scheme 2023. Collection method: clinical testing. Allele origin: germline.

Labcorp Genetics (formerly Invitae), Labcorp
Classification: Uncertain significance. Last evaluated: 2021-10-12. Review status: criteria provided, single submitter. Criteria: Invitae Variant Classification Sherloc (09022015). Collection method: clinical testing. Allele origin: germline.
Comment: In summary, the available evidence is currently insufficient to determine the role of this variant in disease. Therefore, it has been classified as a Variant of Uncertain Significance. Algorithms developed to predict the effect of missense changes on protein structure and function output the following: SIFT: "Tolerated"; PolyPhen-2: "Benign"; Align-GVGD: "Class C0". The glutamine amino acid residue is found in multiple mammalian species, which suggests that this missense change does not adversely affect protein function. This variant has not been reported in the literature in individuals affected with P3H2-related conditions. This variant is present in population databases (rs767531569, ExAC 0.001%). This sequence change replaces arginine with glutamine at codon 318 of the P3H2 protein (p.Arg318Gln). The arginine residue is moderately conserved and there is a small physicochemical difference between arginine and glutamine.

NM_018192.4(P3H2):c.953G>A (p.Arg318Gln)

Gene: P3H2 (prolyl 3-hydroxylase 2; minus strand). Cytogenetic location: 3q28.
Variant type: single nucleotide variant.
Coding change: c.953G>A on transcript NM_018192.4 (MANE Select); coding-DNA position 953, G replaced by A.
Protein change: p.Arg318Gln; replaces arginine 318 with glutamine.
Molecular consequence: missense variant.
Genome position (GRCh38, 1-based): chr3:189,988,909, C>T on the plus strand (G>A on the coding strand, the complement: P3H2 is on the minus strand). VCF-style: chr3-189988909-C-T. GRCh37 (hg19) VCF-style: chr3-189706698-C-T.
Other names: c.410G>A, p.Arg137Gln (NM_001134418.2); c.953G>A (NM_018192.3); short protein forms R137Q, R318Q.
Identifiers: ClinVar variation 1371581 (VCV001371581.5), dbSNP rs767531569, ClinGen allele CA2753171.